The following is an entry in ClinVar:

NM_006922.4(SCN3A):c.1985C>T (p.Ala662Val)

Gene: SCN3A (sodium voltage-gated channel alpha subunit 3; minus strand). Cytogenetic location: 2q24.3.
Variant type: single nucleotide variant.
Coding change: c.1985C>T on transcript NM_006922.4 (MANE Select); coding-DNA position 1985, C replaced by T.
Protein change: p.Ala662Val; replaces alanine 662 with valine.
Molecular consequence: missense variant. On other transcripts: intron variant (2).
Genome position (GRCh38, 1-based): chr2:165,140,685, G>A on the plus strand (C>T on the coding strand, the complement: SCN3A is on the minus strand). VCF-style: chr2-165140685-G-A. GRCh37 (hg19) VCF-style: chr2-165997195-G-A.
Other names: c.1872+113C>T (NM_001081676.2, NM_001081677.2); short protein forms A662V.
Identifiers: ClinVar variation 1492092 (VCV001492092.8), dbSNP rs2105810943, ClinGen allele CA349046155.

ClinVar aggregate classification (germline): Uncertain significance (1 of 4 stars; one submission).

Allele frequency attached by ClinVar (database versions not stated): gnomAD exomes below 0.00001.
gnomAD v4.1: 2 of 1,614,050 alleles (0.00012%); highest among the groups gnomAD compares: Non-Finnish European, 0.00017%; no homozygotes.

Submission:

Labcorp Genetics (formerly Invitae), Labcorp
Classification: Uncertain significance. Last evaluated: 2021-06-13. Review status: criteria provided, single submitter. Criteria: Invitae Variant Classification Sherloc (09022015). Collection method: clinical testing. Allele origin: germline.
Comment: In summary, the available evidence is currently insufficient to determine the role of this variant in disease. Therefore, it has been classified as a Variant of Uncertain Significance. Algorithms developed to predict the effect of missense changes on protein structure and function (SIFT, PolyPhen-2, Align-GVGD) all suggest that this variant is likely to be tolerated, but these predictions have not been confirmed by published functional studies and their clinical significance is uncertain. This variant has not been reported in the literature in individuals with SCN3A-related conditions. This variant is not present in population databases (ExAC no frequency). This sequence change replaces alanine with valine at codon 662 of the SCN3A protein (p.Ala662Val). The alanine residue is moderately conserved and there is a small physicochemical difference between alanine and valine.